The following is an entry in ClinVar:

ClinVar aggregate classification (germline): Uncertain significance (1 of 4 stars; one submission).

gnomAD v4.1: 1 of 1,614,026 alleles (0.000062%); highest among the groups gnomAD compares: Admixed American, 0.0017%; no homozygotes.

Submission:

Ambry Genetics
Classification: Uncertain significance. Last evaluated: 2025-02-08. Review status: criteria provided, single submitter. Criteria: Ambry Variant Classification Scheme 2023. Collection method: clinical testing. Allele origin: germline.
Comment: The p.I197L variant (also known as c.589A>C), located in coding exon 1 of the TET2 gene, results from an A to C substitution at nucleotide position 589. The isoleucine at codon 197 is replaced by leucine, an amino acid with highly similar properties. This amino acid position is conserved. In addition, this alteration is predicted to be tolerated by in silico analysis. Based on the available evidence, the clinical significance of this variant remains unclear.

NM_001127208.3(TET2):c.589A>C (p.Ile197Leu)

Genes: TET2 (tet methylcytosine dioxygenase 2; plus strand), TET2-AS1 (TET2 antisense RNA 1; minus strand). Cytogenetic location: 4q24.
Variant type: single nucleotide variant.
Coding change: c.589A>C on transcript NM_001127208.3 (MANE Select); coding-DNA position 589, A replaced by C.
Protein change: p.Ile197Leu; replaces isoleucine 197 with leucine.
Molecular consequence: missense variant.
Genome position (GRCh38, 1-based): chr4:105,234,531, A>C. VCF-style: chr4-105234531-A-C. GRCh37 (hg19) VCF-style: chr4-106155688-A-C.
Other names: c.589A>C, p.Ile197Leu (NM_017628.4); short protein forms I197L.
Identifiers: ClinVar variation 3806040 (VCV003806040.1).